The following is an entry in ClinVar:

NC_000005.10:g.(?_60874605)_(61073224_?)del

Genes: ERCC8 (ERCC excision repair 8, CSA ubiquitin ligase complex subunit; minus strand), ERCC8-AS1 (ERCC8 antisense RNA 1; plus strand), NDUFAF2 (NADH:ubiquinone oxidoreductase complex assembly factor 2; plus strand), LOC129993949 (ATAC-STARR-seq lymphoblastoid active region 22588; plus strand). Cytogenetic location: 5q12.1.
Variant type: Deletion.
Identifiers: ClinVar variation 647952 (VCV000647952.2).

ClinVar aggregate classification (germline): Pathogenic (1 of 4 stars; one submission).

Submission:

Labcorp Genetics (formerly Invitae), Labcorp
Classification: Pathogenic. Last evaluated: 2022-11-02. Review status: criteria provided, single submitter. Criteria: Invitae Variant Classification Sherloc (09022015). Collection method: clinical testing. Allele origin: germline.
Comment: A gross deletion of the genomic region encompassing the full coding sequence of the ERCC8 gene has been identified. Loss-of-function variants in ERCC8 are known to be pathogenic (PMID: 29572252). The boundaries of this event are unknown as they extend beyond the assayed region for this gene and therefore may encompass additional genes. A similar copy number variant has been observed in individual(s) with Cockayne syndrome (PMID: 26210811). For these reasons, this variant has been classified as Pathogenic.

Literature cited by the submitters: PubMed 29572252; PubMed 26210811.